The following is an entry in ClinVar:

NM_004360.5(CDH1):c.442G>A (p.Gly148Ser)

Gene: CDH1 (cadherin 1; plus strand). Cytogenetic location: 16q22.1.
Variant type: single nucleotide variant.
Coding change: c.442G>A on transcript NM_004360.5 (MANE Select); coding-DNA position 442, G replaced by A.
Protein change: p.Gly148Ser; replaces glycine 148 with serine.
Molecular consequence: missense variant. On other transcripts: 5 prime UTR variant (2).
Genome position (GRCh38, 1-based): chr16:68,808,478, G>A. VCF-style: chr16-68808478-G-A. GRCh37 (hg19) VCF-style: chr16-68842381-G-A.
Other names: c.442G>A (LRG_301t1); c.442G>A, p.Gly148Ser (NM_001317184.2); c.-1174G>A (NM_001317185.2); c.-1378G>A (NM_001317186.2); short protein forms G148S.
Identifiers: ClinVar variation 633150 (VCV000633150.14), dbSNP rs1567504543, ClinGen allele CA396457625.

ClinVar aggregate classification (germline): Uncertain significance. Review status: criteria provided, multiple submitters, no conflicts (2 of 4 stars). 5 submissions from 5 submitters: Uncertain significance (5). Last evaluated 2024-03-28.

Conditions:
Hereditary cancer-predisposing syndrome. Also called: Hereditary Cancer Syndrome; Neoplastic Syndromes, Hereditary; Tumor predisposition; Hereditary neoplastic syndrome. Identifiers: Orphanet 140162, MedGen C0027672, MeSH D009386, MONDO:0015356.
Hereditary diffuse gastric adenocarcinoma (HDGC). Also called: DIFFUSE GASTRIC AND LOBULAR BREAST CANCER SYNDROME. Identifiers: Orphanet 26106, MedGen C1708349, MONDO:0007648, OMIM 137215.

Allele frequency attached by ClinVar (database versions not stated): gnomAD exomes below 0.00001.

Submissions (5):

Ambry Genetics
Classification: Uncertain significance for Hereditary cancer-predisposing syndrome. Last evaluated: 2024-03-28. Review status: criteria provided, single submitter. Criteria: Ambry Variant Classification Scheme 2023. Collection method: clinical testing. Allele origin: germline.
Comment: The p.G148S variant (also known as c.442G>A), located in coding exon 4 of the CDH1 gene, results from a G to A substitution at nucleotide position 442. The glycine at codon 148 is replaced by serine, an amino acid with similar properties. This amino acid position is conserved. In addition, this alteration is predicted to be tolerated by in silico analysis. Based on the available evidence, the clinical significance of this alteration remains unclear.

Labcorp Genetics (formerly Invitae), Labcorp
Classification: Uncertain significance for Hereditary diffuse gastric adenocarcinoma. Last evaluated: 2023-04-16. Review status: criteria provided, single submitter. Criteria: Invitae Variant Classification Sherloc (09022015). Collection method: clinical testing. Allele origin: germline.
Comment: An algorithm developed to predict the effect of missense changes on protein structure and function (PolyPhen-2) suggests that this variant is likely to be tolerated. In summary, the available evidence is currently insufficient to determine the role of this variant in disease. Therefore, it has been classified as a Variant of Uncertain Significance. ClinVar contains an entry for this variant (Variation ID: 633150). This variant has not been reported in the literature in individuals affected with CDH1-related conditions. This variant is not present in population databases (gnomAD no frequency). This sequence change replaces glycine, which is neutral and non-polar, with serine, which is neutral and polar, at codon 148 of the CDH1 protein (p.Gly148Ser).

Quest Diagnostics Nichols Institute San Juan Capistrano
Classification: Uncertain significance. Last evaluated: 2023-03-16. Review status: criteria provided, single submitter. Criteria: Quest Diagnostics criteria. Collection method: clinical testing. Allele origin: unknown.
Comment: The variant has not been reported in the published literature. It also has not been reported in large, multi-ethnic general populations. Analysis of this variant using bioinformatics tools for the prediction of the effect of amino acid changes on protein structure and function yielded predictions that this variant is benign. Based on the available information, we are unable to determine the clinical significance of this variant.

Color Diagnostics, LLC DBA Color Health
Classification: Uncertain significance for Hereditary cancer-predisposing syndrome. Last evaluated: 2019-05-23. Review status: criteria provided, single submitter. Criteria: ACMG Guidelines, 2015. Collection method: clinical testing. Allele origin: germline.

Women's Health and Genetics/Laboratory Corporation of America, LabCorp
Classification: Uncertain significance. Last evaluated: 2018-03-30. Review status: criteria provided, single submitter. Criteria: LabCorp Variant Classification Summary - May 2015. Collection method: clinical testing. Allele origin: germline.
Comment: Variant summary: CDH1 c.442G>A (p.Gly148Ser) results in a non-conservative amino acid change in the encoded protein sequence. Three of five in-silico tools predict a benign effect of the variant on protein function. The variant was absent in 121384 control chromosomes (ExAC). The available data on variant occurrences in the general population are insufficient to allow any conclusion about variant significance. To our knowledge, no occurrence of c.442G>A in individuals affected with Hereditary Diffuse Gastric Cancer and no experimental evidence demonstrating its impact on protein function have been reported. No clinical diagnostic laboratories have submitted clinical-significance assessments for this variant to ClinVar after 2014. Based on the evidence outlined above, the variant was classified as uncertain significance.